The following is an entry in ClinVar:

NM_033028.5(BBS4):c.619A>G (p.Thr207Ala)

Gene: BBS4 (Bardet-Biedl syndrome 4; plus strand). Cytogenetic location: 15q24.1.
Variant type: single nucleotide variant.
Coding change: c.619A>G on transcript NM_033028.5 (MANE Select); coding-DNA position 619, A replaced by G.
Protein change: p.Thr207Ala; replaces threonine 207 with alanine.
Molecular consequence: missense variant. On other transcripts: non-coding transcript variant (2).
Genome position (GRCh38, 1-based): chr15:72,727,971, A>G. VCF-style: chr15-72727971-A-G. GRCh37 (hg19) VCF-style: chr15-73020312-A-G.
Other names: c.103A>G, p.Thr35Ala (NM_001252678.2); c.619A>G, p.Thr207Ala (NM_001320665.2); short protein forms T207A, T35A.
Identifiers: ClinVar variation 1460636 (VCV001460636.3), dbSNP rs558382374, ClinGen allele CA393077505.

ClinVar aggregate classification (germline): Uncertain significance (1 of 4 stars; one submission).

Conditions:
Bardet-Biedl syndrome (BBS). Identifiers: Orphanet 110, MedGen C0752166, MONDO:0015229.

Allele frequency attached by ClinVar (database versions not stated): gnomAD exomes below 0.00001.
gnomAD v4.1: 3 of 1,612,562 alleles (0.00019%); highest among the groups gnomAD compares: Non-Finnish European, 0.00017%; no homozygotes.

Submission:

Labcorp Genetics (formerly Invitae), Labcorp
Classification: Uncertain significance for Bardet-Biedl syndrome. Last evaluated: 2021-12-19. Review status: criteria provided, single submitter. Criteria: Invitae Variant Classification Sherloc (09022015). Collection method: clinical testing. Allele origin: germline.
Comment: This sequence change replaces threonine, which is neutral and polar, with alanine, which is neutral and non-polar, at codon 207 of the BBS4 protein (p.Thr207Ala). This variant is not present in population databases (gnomAD no frequency). This variant has not been reported in the literature in individuals affected with BBS4-related conditions. Algorithms developed to predict the effect of missense changes on protein structure and function (SIFT, PolyPhen-2, Align-GVGD) all suggest that this variant is likely to be tolerated. In summary, the available evidence is currently insufficient to determine the role of this variant in disease. Therefore, it has been classified as a Variant of Uncertain Significance.